The following is an entry in ClinVar:

NM_203290.4(POLR1C):c.865C>T (p.Arg289Trp)

Gene: POLR1C (RNA polymerase I and III subunit C; plus strand). Cytogenetic location: 6p21.1.
Variant type: single nucleotide variant.
Coding change: c.865C>T on transcript NM_203290.4 (MANE Select); coding-DNA position 865, C replaced by T.
Protein change: p.Arg289Trp; replaces arginine 289 with tryptophan.
Molecular consequence: missense variant.
Genome position (GRCh38, 1-based): chr6:43,520,991, C>T. VCF-style: chr6-43520991-C-T. GRCh37 (hg19) VCF-style: chr6-43488729-C-T.
Other names: c.865C>T, p.Arg289Trp (NM_001318876.2, NM_001363658.2); short protein forms R289W.
Identifiers: ClinVar variation 3068551 (VCV003068551.1), dbSNP rs765798937, ClinGen allele CA3825605.

ClinVar aggregate classification (germline): Uncertain significance (1 of 4 stars; one submission).

Conditions:
Leukodystrophy, hypomyelinating, 11. Identifiers: Orphanet 88637, MedGen C4225305, MONDO:0014666, OMIM 616494.

Allele frequency attached by ClinVar (database versions not stated): ExAC 0.00001; gnomAD exomes 0.00002; gnomAD 0.00003; TOPMed 0.00004.
gnomAD v4.1: 36 of 1,614,004 alleles (0.0022%); highest among the groups gnomAD compares: East Asian, 0.0045%; no homozygotes.

Submission:

Molecular Genetics, Royal Melbourne Hospital
Classification: Uncertain significance for Leukodystrophy, hypomyelinating, 11. Last evaluated: 2023-08-08. Review status: criteria provided, single submitter. Criteria: ACMG Guidelines, 2015. Collection method: clinical testing. Allele origin: germline. Inheritance: Autosomal recessive inheritance. Affected: yes.
Comment: This sequence change in POLR1C is predicted to replace arginine with tryptophan at codon 289, p.(Arg289Trp). The arginine residue is highly conserved (98/100 vertebrates, UCSC), and is located in the RNA polymerase Rpb3/Rpb11 dimerisation domain. There is a large physicochemical difference between arginine and tryptophan. The highest population minor allele frequency in the population database gnomAD v2.1 is 0.005% (1/18,394 alleles) in the East Asian population, which is consistent with a recessive disease. To our knowledge, this variant has not been previously reported in the relevant scientific literature or databases. This variant has been observed with the variant c.325C>T, p.(Arg109Cys) which is classified as likely pathogenic in an individual with a personal history of leukodystrophy (Royal Melbourne Hospital). Computational evidence predicts a deleterious effect for the missense substitution (REVEL = 0.89). Based on the classification scheme RMH Modified ACMG/AMP Guidelines v1.6.1, this variant is classified as a VARIANT OF UNCERTAIN SIGNIFICANCE. Following criteria are met: PM2_Supporting, PM3_Supporting, PP3.